The following is an entry in ClinVar:

NM_001288705.3(CSF1R):c.1302C>T (p.Cys434=)

Gene: CSF1R (colony stimulating factor 1 receptor; minus strand). Cytogenetic location: 5q32.
Variant type: single nucleotide variant.
Coding change: c.1302C>T on transcript NM_001288705.3 (MANE Select); coding-DNA position 1302, C replaced by T.
Protein change: p.Cys434=; no amino-acid change (cysteine 434 retained).
Molecular consequence: synonymous variant. On other transcripts: non-coding transcript variant (2).
Genome position (GRCh38, 1-based): chr5:150,070,199, G>A on the plus strand (C>T on the coding strand, the complement: CSF1R is on the minus strand). VCF-style: chr5-150070199-G-A. GRCh37 (hg19) VCF-style: chr5-149449762-G-A.
Other names: p.Cys434=; c.1302C>T, p.Cys434= (NM_001349736.2, NM_001375320.1, NM_005211.4); c.858C>T, p.Cys286= (NM_001375321.1); c.1302C>T (NM_005211.3).
Identifiers: ClinVar variation 2899260 (VCV002899260.4), dbSNP rs369184681, ClinGen allele CA3506889.

ClinVar aggregate classification (germline): Likely benign. Review status: criteria provided, multiple submitters, no conflicts (2 of 4 stars). 2 submissions from 2 submitters: Likely benign (2). Last evaluated 2025-07-18.

Allele frequency attached by ClinVar (database versions not stated): gnomAD 0.00001; TOPMed 0.00001; ExAC 0.00002; gnomAD exomes 0.00004; ESP Exome Variant Server 0.00008.
gnomAD v4.1: 63 of 1,613,962 alleles (0.0039%); highest among the groups gnomAD compares: Non-Finnish European, 0.0052%; no homozygotes.

Submissions (2):

Mayo Clinic Laboratories, Mayo Clinic
Classification: Likely benign. Last evaluated: 2025-07-18. Review status: criteria provided, single submitter. Criteria: ACMG Guidelines, 2015. Collection method: clinical testing. Allele origin: germline. Observed: 1 variant allele.
Comment: BP4, BP7

Labcorp Genetics (formerly Invitae), Labcorp
Classification: Likely benign. Last evaluated: 2025-04-01. Review status: criteria provided, single submitter. Criteria: Invitae Variant Classification Sherloc (09022015). Collection method: clinical testing. Allele origin: germline.